The following is an entry in ClinVar:

NM_000346.4(SOX9):c.596C>T (p.Ser199Phe)

Gene: SOX9 (SRY-box transcription factor 9; plus strand). Cytogenetic location: 17q24.3.
Variant type: single nucleotide variant.
Coding change: c.596C>T on transcript NM_000346.4 (MANE Select); coding-DNA position 596, C replaced by T.
Protein change: p.Ser199Phe; replaces serine 199 with phenylalanine.
Molecular consequence: missense variant.
Genome position (GRCh38, 1-based): chr17:72,122,883, C>T. VCF-style: chr17-72122883-C-T. GRCh37 (hg19) VCF-style: chr17-70119024-C-T.
Other names: short protein forms S199F.
Identifiers: ClinVar variation 1003041 (VCV001003041.9), dbSNP rs762685531, ClinGen allele CA400866636.

ClinVar aggregate classification (germline): Uncertain significance (1 of 4 stars; one submission).

Conditions:
Camptomelic dysplasia (CMPD). Also called: Campomelic Dysplasia; CMPD1/SRA1. Identifiers: Orphanet 140, MedGen C1861922, MONDO:0007251, OMIM 114290.

gnomAD v4.1: 2 of 1,614,140 alleles (0.00012%); highest among the groups gnomAD compares: Non-Finnish European, 0.00017%; no homozygotes.

Submission:

Labcorp Genetics (formerly Invitae), Labcorp
Classification: Uncertain significance for Camptomelic dysplasia. Last evaluated: 2020-05-15. Review status: criteria provided, single submitter. Criteria: Invitae Variant Classification Sherloc (09022015). Collection method: clinical testing. Allele origin: germline.
Comment: In summary, the available evidence is currently insufficient to determine the role of this variant in disease. Therefore, it has been classified as a Variant of Uncertain Significance. Algorithms developed to predict the effect of missense changes on protein structure and function (SIFT, PolyPhen-2, Align-GVGD) all suggest that this variant is likely to be disruptive, but these predictions have not been confirmed by published functional studies and their clinical significance is uncertain. This variant has not been reported in the literature in individuals with SOX9-related conditions. This variant is not present in population databases (ExAC no frequency). This sequence change replaces serine with phenylalanine at codon 199 of the SOX9 protein (p.Ser199Phe). The serine residue is highly conserved and there is a large physicochemical difference between serine and phenylalanine.